The following is an entry in ClinVar:

NM_006231.4(POLE):c.1945G>A (p.Ala649Thr)

Gene: POLE (DNA polymerase epsilon, catalytic subunit; minus strand). Cytogenetic location: 12q24.33.
Variant type: single nucleotide variant.
Coding change: c.1945G>A on transcript NM_006231.4 (MANE Select); coding-DNA position 1945, G replaced by A.
Protein change: p.Ala649Thr; replaces alanine 649 with threonine.
Molecular consequence: missense variant.
Genome position (GRCh38, 1-based): chr12:132,668,716, C>T on the plus strand (G>A on the coding strand, the complement: POLE is on the minus strand). VCF-style: chr12-132668716-C-T. GRCh37 (hg19) VCF-style: chr12-133245302-C-T.
Other names: short protein forms A649T.
Identifiers: ClinVar variation 3781590 (VCV003781590.1).
Genomic context (GRCh38, chr12:132,668,716, plus strand): 5'-AGGCCATCTTCCGCTGGCAGTTTGCTCCAGGCTTATTGAAGTCACAGGCAGCACAGGTGG[C>T]TTCGTCCACCATGGCAGAGGGCTGGGAGGGGTGAGAAAGCACTTAGGGCTGGGCAGAGAG-3'
Protein context (NP_006222.2, residues 639-659): RLQPSAMVDE[Ala649Thr]TCAACDFNKP

ClinVar aggregate classification (germline): Uncertain significance (1 of 4 stars; one submission).

Conditions:
Hereditary cancer-predisposing syndrome. Also called: Neoplastic Syndromes, Hereditary; Hereditary Cancer Syndrome; Tumor predisposition; Hereditary neoplastic syndrome. Identifiers: Orphanet 140162, MedGen C0027672, MeSH D009386, MONDO:0015356.

Submission:

Ambry Genetics
Classification: Uncertain significance for Hereditary cancer-predisposing syndrome. Last evaluated: 2025-02-16. Review status: criteria provided, single submitter. Criteria: Ambry Variant Classification Scheme 2023. Collection method: clinical testing. Allele origin: germline.
Comment: The p.A649T variant (also known as c.1945G>A), located in coding exon 18 of the POLE gene, results from a G to A substitution at nucleotide position 1945. The alanine at codon 649 is replaced by threonine, an amino acid with similar properties. This amino acid position is conserved. In addition, this alteration is predicted to be tolerated by in silico analysis. Based on the available evidence, the clinical significance of this variant remains unclear.